The following is an entry in ClinVar:

NM_001039591.3(USP9X):c.7626C>T (p.Gly2542=)

Gene: USP9X (ubiquitin specific peptidase 9 X-linked; plus strand). Cytogenetic location: Xp11.4.
Variant type: single nucleotide variant.
Coding change: c.7626C>T on transcript NM_001039591.3 (MANE Select); coding-DNA position 7626, C replaced by T.
Protein change: p.Gly2542=; no amino-acid change (glycine 2542 retained).
Molecular consequence: synonymous variant.
Genome position (GRCh38, 1-based): chrX:41,232,485, C>T. VCF-style: chrX-41232485-C-T. GRCh37 (hg19) VCF-style: chrX-41091738-C-T.
Other names: c.7674C>T, p.Gly2558= (NM_001039590.3); c.7689C>T, p.Gly2563= (NM_001410748.1); c.7641C>T, p.Gly2547= (NM_001410749.1).
Identifiers: ClinVar variation 2812920 (VCV002812920.3), dbSNP rs2519423079, ClinGen allele CA515961495.
Genomic context (GRCh38, chrX:41,232,485, plus strand): 5'-AGCACATCACATGAACAACCCTCAGAGAACTGGCCAACGAGCACAAGAAAATTATGAAGG[C>T]AGTGAAGAAGTATCCCCACCTCAAACCAAGGATCAATGAAATGCACATAATTAACTGGTT-3'
Protein context (NP_001034680.2, residues 2532-2552): TGQRAQENYE[Gly2542=]SEEVSPPQTK

ClinVar aggregate classification (germline): Uncertain significance (1 of 4 stars; one submission).

Submission:

Labcorp Genetics (formerly Invitae), Labcorp
Classification: Uncertain significance. Last evaluated: 2022-11-08. Review status: criteria provided, single submitter. Criteria: Invitae Variant Classification Sherloc (09022015). Collection method: clinical testing. Allele origin: germline.
Comment: In summary, the available evidence is currently insufficient to determine the role of this variant in disease. Therefore, it has been classified as a Variant of Uncertain Significance. Algorithms developed to predict the effect of sequence changes on RNA splicing suggest that this variant may create or strengthen a splice site. This variant has not been reported in the literature in individuals affected with USP9X-related conditions. This variant is not present in population databases (gnomAD no frequency). This sequence change affects codon 2558 of the USP9X mRNA. It is a 'silent' change, meaning that it does not change the encoded amino acid sequence of the USP9X protein.